The following is an entry in ClinVar:

ClinVar aggregate classification (germline): Uncertain significance. Review status: criteria provided, multiple submitters, no conflicts (2 of 4 stars). 3 submissions from 3 submitters: Uncertain significance (3). Last evaluated 2025-08-31.

Conditions:
Cardiovascular phenotype. Identifiers: MedGen CN230736.
Hypertrophic cardiomyopathy 14. Identifiers: MedGen C2750467, MONDO:0013197, OMIM 613251.

Allele frequency attached by ClinVar (database versions not stated): gnomAD exomes 0.00002 and 0.00003; ExAC 0.00003; gnomAD 0.00007 and 0.00008; TOPMed 0.00008.

Submissions (3):

Labcorp Genetics (formerly Invitae), Labcorp
Classification: Uncertain significance for Hypertrophic cardiomyopathy 14. Last evaluated: 2025-08-31. Review status: criteria provided, single submitter. Criteria: Invitae Variant Classification Sherloc (09022015). Collection method: clinical testing. Allele origin: germline.
Comment: This sequence change replaces arginine, which is basic and polar, with glutamine, which is neutral and polar, at codon 1576 of the MYH6 protein (p.Arg1576Gln). This variant is present in population databases (rs771898553, gnomAD 0.05%), and has an allele count higher than expected for a pathogenic variant. This missense change has been observed in individual(s) with late-onset hypertrophic cardiomyopathy (PMID: 26573135). ClinVar contains an entry for this variant (Variation ID: 423462). Invitae Evidence Modeling of protein sequence and biophysical properties (such as structural, functional, and spatial information, amino acid conservation, physicochemical variation, residue mobility, and thermodynamic stability) indicates that this missense variant is expected to disrupt MYH6 protein function with a positive predictive value of 80%. In summary, the available evidence is currently insufficient to determine the role of this variant in disease. Therefore, it has been classified as a Variant of Uncertain Significance.

Ambry Genetics
Classification: Uncertain significance for Cardiovascular phenotype. Last evaluated: 2022-02-23. Review status: criteria provided, single submitter. Criteria: Ambry Variant Classification Scheme 2023. Collection method: clinical testing. Allele origin: germline.
Comment: The p.R1576Q variant (also known as c.4727G>A), located in coding exon 31 of the MYH6 gene, results from a G to A substitution at nucleotide position 4727. The arginine at codon 1576 is replaced by glutamine, an amino acid with highly similar properties. This alteration has been reported in a hypertrophic cardiomyopathy (HCM) cohort (Xu J et al. Sci Rep, 2015 Nov;5:16609). This amino acid position is well conserved in available vertebrate species. In addition, the in silico prediction for this alteration is inconclusive. Since supporting evidence is limited at this time, the clinical significance of this alteration remains unclear.

GeneDx
Classification: Uncertain significance. Last evaluated: 2017-02-10. Review status: criteria provided, single submitter. Criteria: GeneDx Variant Classification (06012015). Collection method: clinical testing. Allele origin: germline. Affected: yes.
Comment: A variant of uncertain significance has been identified in the MYH6 gene. The R1576Q variant has been reported in one patient with HCM (Xu et al., 2015); however, no familial segregation information or functional studies were provided. Nevertheless, this variant is not observed at a significant frequency in large population cohorts (Lek et al., 2016; 1000 Genomes Consortium et al., 2015; Exome Variant Server). The R1576Q variant is a semi-conservative amino acid substitution, which may impact secondary protein structure as these residues differ in some properties. Finally, this substitution occurs at a position that is conserved across species and in silico analysis predicts this variant is probably damaging to the protein structure/function.

Literature cited by the submitters: PubMed 26573135 (cited by Labcorp Genetics (formerly Invitae), Labcorp and Ambry Genetics).

NM_002471.4(MYH6):c.4727G>A (p.Arg1576Gln)

Genes: MYH6 (myosin heavy chain 6; minus strand), LOC126861896 (BRD4-independent group 4 enhancer GRCh37_chr14:23854904-23856103; plus strand). Cytogenetic location: 14q11.2.
Variant type: single nucleotide variant.
Coding change: c.4727G>A on transcript NM_002471.4 (MANE Select); coding-DNA position 4727, G replaced by A.
Protein change: p.Arg1576Gln; replaces arginine 1576 with glutamine.
Molecular consequence: missense variant.
Genome position (GRCh38, 1-based): chr14:23,386,547, C>T on the plus strand (G>A on the coding strand, the complement: MYH6 is on the minus strand). VCF-style: chr14-23386547-C-T. GRCh37 (hg19) VCF-style: chr14-23855756-C-T.
Other names: short protein forms R1576Q.
Identifiers: ClinVar variation 423462 (VCV000423462.16), dbSNP rs771898553, ClinGen allele CA7114651.